The following is an entry in ClinVar:

NM_000142.5(FGFR3):c.1195C>G (p.Arg399Gly)

Gene: FGFR3 (fibroblast growth factor receptor 3; plus strand). Cytogenetic location: 4p16.3.
Variant type: single nucleotide variant.
Coding change: c.1195C>G on transcript NM_000142.5 (MANE Select); coding-DNA position 1195, C replaced by G.
Protein change: p.Arg399Gly; replaces arginine 399 with glycine.
Molecular consequence: missense variant. On other transcripts: non-coding transcript variant (1), intron variant (1).
Genome position (GRCh38, 1-based): chr4:1,804,449, C>G. VCF-style: chr4-1804449-C-G. GRCh37 (hg19) VCF-style: chr4-1806176-C-G.
Other names: c.1201C>G, p.Arg401Gly (NM_001163213.2); c.1195C>G, p.Arg399Gly (NM_001354809.2, NM_001354810.2); c.931-375C>G (NM_022965.4); short protein forms R399G, R401G.
Identifiers: ClinVar variation 3342646 (VCV003342646.1).

ClinVar aggregate classification (germline): Uncertain significance (1 of 4 stars; one submission).

gnomAD v4.1: 1 of 1,612,678 alleles (0.000062%); highest among the groups gnomAD compares: South Asian, 0.0011%; no homozygotes.

Submission:

GeneDx
Classification: Uncertain significance. Last evaluated: 2023-12-22. Review status: criteria provided, single submitter. Criteria: GeneDx Variant Classification Process June 2021. Collection method: clinical testing. Allele origin: germline. Affected: yes.
Comment: Not observed at significant frequency in large population cohorts (gnomAD); In silico analysis supports that this missense variant has a deleterious effect on protein structure/function; Has not been previously published as pathogenic or benign to our knowledge